The following is an entry in ClinVar:

ClinVar aggregate classification (germline): Likely benign. Review status: criteria provided, multiple submitters, no conflicts (2 of 4 stars). 3 submissions from 3 submitters: Likely benign (3). Last evaluated 2023-07-01.

Allele frequency attached by ClinVar (database versions not stated): gnomAD exomes below 0.00001; gnomAD 0.00001; TOPMed 0.00001.
gnomAD v4.1: 6 of 1,613,738 alleles (0.00037%); highest among the groups gnomAD compares: Non-Finnish European, 0.00051%; no homozygotes.

Submissions (3):

CeGaT Center for Human Genetics Tuebingen
Classification: Likely benign. Last evaluated: 2023-07-01. Review status: criteria provided, single submitter. Criteria: CeGaT Center For Human Genetics Tuebingen Variant Classification Criteria Version 2. Collection method: clinical testing. Allele origin: germline. Affected: yes. Observed: 1 variant allele.
Comment: FAT4: BP4, BP7

Labcorp Genetics (formerly Invitae), Labcorp
Classification: Likely benign. Last evaluated: 2022-04-07. Review status: criteria provided, single submitter. Criteria: Invitae Variant Classification Sherloc (09022015). Collection method: clinical testing. Allele origin: germline.

Blueprint Genetics
Classification: Likely benign. Last evaluated: 2021-02-10. Review status: criteria provided, single submitter. Criteria: ACMG Guidelines, 2015. Collection method: clinical testing. Allele origin: germline.

NM_001291303.3(FAT4):c.8826C>T (p.Gly2942=)

Gene: FAT4 (FAT atypical cadherin 4; plus strand). Cytogenetic location: 4q28.1.
Variant type: single nucleotide variant.
Coding change: c.8826C>T on transcript NM_001291303.3 (MANE Select); coding-DNA position 8826, C replaced by T.
Protein change: p.Gly2942=; no amino-acid change (glycine 2942 retained).
Molecular consequence: synonymous variant.
Genome position (GRCh38, 1-based): chr4:125,449,836, C>T. VCF-style: chr4-125449836-C-T. GRCh37 (hg19) VCF-style: chr4-126370991-C-T.
Other names: c.8826C>T, p.Gly2942= (NM_001291285.3); c.8820C>T, p.Gly2940= (NM_024582.6).
Identifiers: ClinVar variation 2108039 (VCV002108039.29), dbSNP rs1355664497, ClinGen allele CA441371203.